The following is an entry in ClinVar:

ClinVar aggregate classification (germline): Uncertain significance (1 of 4 stars; one submission).

Allele frequency attached by ClinVar (database versions not stated): gnomAD exomes below 0.00001; ExAC 0.00001.
gnomAD v4.1: 1 of 1,614,178 alleles (0.000062%); highest among the groups gnomAD compares: Non-Finnish European, 0.000085%; no homozygotes.

Submission:

GeneDx
Classification: Uncertain significance. Last evaluated: 2023-03-31. Review status: criteria provided, single submitter. Criteria: GeneDx Variant Classification Process June 2021. Collection method: clinical testing. Allele origin: germline. Affected: yes.
Comment: In silico analysis supports that this missense variant does not alter protein structure/function; Has not been previously published as pathogenic or benign to our knowledge

NM_015559.3(SETBP1):c.3728C>T (p.Thr1243Ile)

Gene: SETBP1 (SET binding protein 1; plus strand). Cytogenetic location: 18q12.3.
Variant type: single nucleotide variant.
Coding change: c.3728C>T on transcript NM_015559.3 (MANE Select); coding-DNA position 3728, C replaced by T.
Protein change: p.Thr1243Ile; replaces threonine 1243 with isoleucine.
Molecular consequence: missense variant.
Genome position (GRCh38, 1-based): chr18:44,953,068, C>T. VCF-style: chr18-44953068-C-T. GRCh37 (hg19) VCF-style: chr18-42533033-C-T.
Other names: c.3728C>T, p.Thr1243Ile (NM_001379141.1, NM_001379142.1, NM_001410862.1); short protein forms T1243I.
Identifiers: ClinVar variation 2581856 (VCV002581856.1), dbSNP rs761279467, ClinGen allele CA8945970.